The following is an entry in ClinVar:

NM_001283009.2(RTEL1):c.628T>A (p.Tyr210Asn)

Genes: RTEL1 (regulator of telomere elongation helicase 1; plus strand), RTEL1-TNFRSF6B (RTEL1-TNFRSF6B readthrough (NMD candidate); plus strand). Cytogenetic location: 20q13.33.
Variant type: single nucleotide variant.
Coding change: c.628T>A on transcript NM_001283009.2 (MANE Select); coding-DNA position 628, T replaced by A.
Protein change: p.Tyr210Asn; replaces tyrosine 210 with asparagine.
Molecular consequence: missense variant. On other transcripts: non-coding transcript variant (1), 5 prime UTR variant (1).
Genome position (GRCh38, 1-based): chr20:63,667,482, T>A. VCF-style: chr20-63667482-T-A. GRCh37 (hg19) VCF-style: chr20-62298835-T-A.
Other names: c.-42T>A (NM_001283010.1); c.628T>A, p.Tyr210Asn (NM_016434.4); c.700T>A, p.Tyr234Asn (NM_032957.5); short protein forms Y234N, Y210N.
Identifiers: ClinVar variation 4157651 (VCV004157651.1).
Genomic context (GRCh38, chr20:63,667,482, plus strand): 5'-TCCCCTGCATGGGGTGCTCACAGGATCTTCTCCTCTCTCCTTCCCAGGGTGTGCCCTTAC[T>A]ACCTGTCCCGGAACCTGAAGCAGCAAGCCGACATCATATTCATGCCGTACAATTACTTGT-3'
Protein context (NP_001269938.1, residues 200-220): SGSKHRVCPY[Tyr210Asn]LSRNLKQQAD

ClinVar aggregate classification (germline): Uncertain significance (1 of 4 stars; one submission).

Conditions:
Inborn genetic diseases. Identifiers: MedGen C0950123, MeSH D030342.

Submission:

Ambry Genetics
Classification: Uncertain significance for Inborn genetic diseases. Last evaluated: 2025-08-10. Review status: criteria provided, single submitter. Criteria: Ambry Variant Classification Scheme 2023. Collection method: clinical testing. Allele origin: germline.
Comment: The p.Y210N variant (also known as c.628T>A), located in coding exon 7 of the RTEL1 gene, results from a T to A substitution at nucleotide position 628. The tyrosine at codon 210 is replaced by asparagine, an amino acid with dissimilar properties. This amino acid position is conserved. In addition, this alteration is predicted to be deleterious by in silico analysis. Based on the available evidence, the clinical significance of this variant remains unclear.